The following is an entry in ClinVar:

NM_020738.4(KIDINS220):c.3633T>C (p.Asn1211=)

Gene: KIDINS220 (kinase D interacting substrate 220; minus strand). Cytogenetic location: 2p25.1.
Variant type: single nucleotide variant.
Coding change: c.3633T>C on transcript NM_020738.4 (MANE Select); coding-DNA position 3633, T replaced by C.
Protein change: p.Asn1211=; no amino-acid change (asparagine 1211 retained).
Molecular consequence: synonymous variant. On other transcripts: non-coding transcript variant (2).
Genome position (GRCh38, 1-based): chr2:8,736,952, A>G on the plus strand (T>C on the coding strand, the complement: KIDINS220 is on the minus strand). VCF-style: chr2-8736952-A-G. GRCh37 (hg19) VCF-style: chr2-8877082-A-G.
Other names: c.3636T>C, p.Asn1212= (NM_001348729.2); c.3579T>C, p.Asn1193= (NM_001348731.2); c.3576T>C, p.Asn1192= (NM_001348732.2, NM_001348738.2); c.3465T>C, p.Asn1155= (NM_001348734.2, NM_001348739.2, NM_001348740.2); c.3462T>C, p.Asn1154= (NM_001348735.2, NM_001348741.2, NM_001348742.2 and 1 more transcripts); c.3336T>C, p.Asn1112= (NM_001348736.2).
Identifiers: ClinVar variation 4982870 (VCV004982870.1).

ClinVar aggregate classification (germline): Likely benign (1 of 4 stars; one submission).

Conditions:
KIDINS220-related disorder. Also called: KIDINS220-related condition.

Submission:

PreventionGenetics, part of Exact Sciences
Classification: Likely benign for KIDINS220-related condition. Last evaluated: 2026-02-18. Review status: criteria provided, single submitter. Criteria: ACMG Guidelines, 2015. Collection method: clinical testing. Allele origin: germline.
Comment: This variant is classified as likely benign based on ACMG/AMP sequence variant interpretation guidelines (Richards et al. 2015 PMID: 25741868, with internal and published modifications).